The following is an entry in ClinVar:

NM_001009944.3(PKD1):c.8282G>A (p.Arg2761His)

Gene: PKD1 (polycystin 1, transient receptor potential channel interacting; minus strand). Cytogenetic location: 16p13.3.
Variant type: single nucleotide variant.
Coding change: c.8282G>A on transcript NM_001009944.3 (MANE Select); coding-DNA position 8282, G replaced by A.
Protein change: p.Arg2761His; replaces arginine 2761 with histidine.
Molecular consequence: missense variant.
Genome position (GRCh38, 1-based): chr16:2,103,775, C>T on the plus strand (G>A on the coding strand, the complement: PKD1 is on the minus strand). VCF-style: chr16-2103775-C-T. GRCh37 (hg19) VCF-style: chr16-2153776-C-T.
Other names: c.8282G>A, p.Arg2761His (NM_000296.4); short protein forms R2761H.
Identifiers: ClinVar variation 4853777 (VCV004853777.2).

ClinVar aggregate classification (germline): Conflicting classifications of pathogenicity. Review status: criteria provided, conflicting classifications (1 of 4 stars). 2 submissions from 2 submitters: Uncertain significance (1); Likely benign (1). Last evaluated 2026-05-20.

gnomAD v4.1: 128 of 1,609,510 alleles (0.008%); highest among the groups gnomAD compares: Middle Eastern, 0.022%; no homozygotes.

Submissions (2):

Women's Health and Genetics/Laboratory Corporation of America, LabCorp
Classification: Uncertain significance. Last evaluated: 2026-05-20. Review status: criteria provided, single submitter. Criteria: LabCorp Variant Classification Summary - May 2015. Collection method: clinical testing. Allele origin: germline.
Comment: Variant summary: PKD1 c.8282G>A (p.Arg2761His) results in a non-conservative amino acid change in the encoded protein sequence. Algorithms developed to predict the effect of missense changes on protein structure and function are either unavailable or do not agree on the potential impact of this missense change. The variant allele was found at a frequency of 0.00011 in 247540 control chromosomes. This frequency is not significantly higher than estimated for disease-causing variants in PKD1, allowing no conclusion about variant significance. c.8282G>A has been observed in the presumed heterozygous state in at least 1 individual(s) affected with PKD1-related conditions (example, Ozyavuz-Cubuk_2024). These report(s) do not provide unequivocal conclusions about association of the variant with disease. To our knowledge, no experimental evidence demonstrating an impact on protein function has been reported. The following publication has been ascertained in the context of this evaluation (PMID: 38971859). No submitters have cited clinical-significance assessments for this variant to ClinVar. Based on the evidence outlined above, the variant was classified as uncertain significance.

Blueprint Genetics
Classification: Likely benign. Last evaluated: 2024-10-11. Review status: criteria provided, single submitter. Criteria: ACMG Guidelines, 2015. Collection method: clinical testing. Allele origin: germline.

Literature cited by the submitters: PubMed 38971859 (cited by Women's Health and Genetics/Laboratory Corporation of America, LabCorp).